The following is an entry in ClinVar:

ClinVar aggregate classification (germline): Uncertain significance (1 of 4 stars; one submission).

Conditions:
Hereditary cancer-predisposing syndrome. Also called: Tumor predisposition; Hereditary neoplastic syndrome; Neoplastic Syndromes, Hereditary; Hereditary Cancer Syndrome. Identifiers: Orphanet 140162, MedGen C0027672, MeSH D009386, MONDO:0015356.

Submission:

Ambry Genetics
Classification: Uncertain significance for Hereditary cancer-predisposing syndrome. Last evaluated: 2025-06-13. Review status: criteria provided, single submitter. Criteria: Ambry Variant Classification Scheme 2023. Collection method: clinical testing. Allele origin: germline.
Comment: The c.3724_3727delAAAG variant, located in coding exon 19 of the BRIP1 gene, results from a deletion of 4 nucleotides at nucleotide positions 3724 to 3727, causing a translational frameshift with a predicted alternate stop codon (p.K1242Afs*11). This alteration occurs at the 3' terminus of theBRIP1 gene, is not expected to trigger nonsense-mediated mRNAdecay, and only impacts the last 8 amino acids of the protein. The exact functional effect of this alteration is unknown. Based on the available evidence, the clinical significance of this variant remains unclear.

NM_032043.3(BRIP1):c.3724_3727del (p.Lys1242fs)

Gene: BRIP1 (BRCA1 interacting DNA helicase 1; minus strand). Cytogenetic location: 17q23.2.
Variant type: Deletion.
Coding change: c.3724_3727del on transcript NM_032043.3 (MANE Select); coding-DNA positions 3724 to 3727, 4 bases deleted (AAAG; older notation c.3724_3727delAAAG).
Protein change: p.Lys1242fs; shifts the reading frame from lysine 1242.
Molecular consequence: frameshift variant.
Genome position (GRCh38, 1-based): chr17:61,683,319-61,683,322, CTTT deleted on the plus strand (AAAG on the coding strand, the reverse complement: BRIP1 is on the minus strand). VCF-style (leftmost placement, unchanged base first): chr17-61683318-CCTTT-C. GRCh37 (hg19) VCF-style: chr17-59760679-CCTTT-C.
Other names: short protein forms K1242fs.
Identifiers: ClinVar variation 3993157 (VCV003993157.1).